The following is an entry in ClinVar:

ClinVar aggregate classification (germline): Uncertain significance. Review status: criteria provided, multiple submitters, no conflicts (2 of 4 stars). 2 submissions from 2 submitters: Uncertain significance (2). Last evaluated 2025-10-01.

Allele frequency attached by ClinVar (database versions not stated): TOPMed below 0.00001; gnomAD 0.00001; gnomAD exomes 0.00002 and 0.00006; ExAC 0.00004; 1000 Genomes Project 30x 0.00016; 1000 Genomes Project 0.00020.
gnomAD v4.1: 28 of 1,614,058 alleles (0.0017%); highest among the groups gnomAD compares: South Asian, 0.023%; no homozygotes.

Submissions (2):

Ambry Genetics
Classification: Uncertain significance. Last evaluated: 2025-10-01. Review status: criteria provided, single submitter. Criteria: Ambry Variant Classification Scheme 2023. Collection method: clinical testing. Allele origin: germline.

Labcorp Genetics (formerly Invitae), Labcorp
Classification: Uncertain significance. Last evaluated: 2023-10-29. Review status: criteria provided, single submitter. Criteria: Invitae Variant Classification Sherloc (09022015). Collection method: clinical testing. Allele origin: germline.
Comment: This sequence change replaces arginine, which is basic and polar, with tryptophan, which is neutral and slightly polar, at codon 112 of the PLA2G5 protein (p.Arg112Trp). This variant is present in population databases (rs532418704, gnomAD 0.04%). This variant has not been reported in the literature in individuals affected with PLA2G5-related conditions. ClinVar contains an entry for this variant (Variation ID: 1490231). An algorithm developed to predict the effect of missense changes on protein structure and function (PolyPhen-2) suggests that this variant is likely to be disruptive. In summary, the available evidence is currently insufficient to determine the role of this variant in disease. Therefore, it has been classified as a Variant of Uncertain Significance.

NM_000929.3(PLA2G5):c.334C>T (p.Arg112Trp)

Gene: PLA2G5 (phospholipase A2 group V; plus strand). Cytogenetic location: 1p36.13.
Variant type: single nucleotide variant.
Coding change: c.334C>T on transcript NM_000929.3 (MANE Select); coding-DNA position 334, C replaced by T.
Protein change: p.Arg112Trp; replaces arginine 112 with tryptophan.
Molecular consequence: missense variant.
Genome position (GRCh38, 1-based): chr1:20,090,609, C>T. VCF-style: chr1-20090609-C-T. GRCh37 (hg19) VCF-style: chr1-20417102-C-T.
Other names: c.334C>T (NM_000929.2); short protein forms R112W.
Identifiers: ClinVar variation 1490231 (VCV001490231.9), dbSNP rs532418704, ClinGen allele CA658268.